The following is an entry in ClinVar:

NM_173531.4(ZNF100):c.1248C>T (p.Leu416=)

Gene: ZNF100 (zinc finger protein 100; minus strand). Cytogenetic location: 19p12.
Variant type: single nucleotide variant.
Coding change: c.1248C>T on transcript NM_173531.4 (MANE Select); coding-DNA position 1248, C replaced by T.
Protein change: p.Leu416=; no amino-acid change (leucine 416 retained).
Molecular consequence: synonymous variant.
Genome position (GRCh38, 1-based): chr19:21,727,064, G>A on the plus strand (C>T on the coding strand, the complement: ZNF100 is on the minus strand). VCF-style: chr19-21727064-G-A. GRCh37 (hg19) VCF-style: chr19-21909866-G-A.
Other names: c.1245C>T, p.Leu415= (NM_001351669.2); c.1149C>T, p.Leu383= (NM_001351670.2); c.945C>T, p.Leu315= (NM_001351671.2); c.603C>T, p.Leu201= (NM_001351672.2).
Identifiers: ClinVar variation 2649628 (VCV002649628.24), dbSNP rs772418956, ClinGen allele CA9340413.

ClinVar aggregate classification (germline): Likely benign (1 of 4 stars; one submission).

Allele frequency attached by ClinVar (database versions not stated): ExAC 0.00007.

Submission:

CeGaT Center for Human Genetics Tuebingen
Classification: Likely benign. Last evaluated: 2025-02-01. Review status: criteria provided, single submitter. Criteria: CeGaT Center For Human Genetics Tuebingen Variant Classification Criteria Version 2. Collection method: clinical testing. Allele origin: germline. Affected: yes. Observed: 4 variant alleles.
Comment: ZNF100: BP4, BP7